The following is an entry in ClinVar:

NM_003791.4(MBTPS1):c.443A>G (p.Asn148Ser)

Gene: MBTPS1 (membrane bound transcription factor peptidase, site 1; minus strand). Cytogenetic location: 16q23.3.
Variant type: single nucleotide variant.
Coding change: c.443A>G on transcript NM_003791.4 (MANE Select); coding-DNA position 443, A replaced by G.
Protein change: p.Asn148Ser; replaces asparagine 148 with serine.
Molecular consequence: missense variant.
Genome position (GRCh38, 1-based): chr16:84,095,784, T>C on the plus strand (A>G on the coding strand, the complement: MBTPS1 is on the minus strand). VCF-style: chr16-84095784-T-C. GRCh37 (hg19) VCF-style: chr16-84129389-T-C.
Other names: short protein forms N148S.
Identifiers: ClinVar variation 2069166 (VCV002069166.2), dbSNP rs138518499, ClinGen allele CA8201749.

ClinVar aggregate classification (germline): Uncertain significance. Review status: criteria provided, multiple submitters, no conflicts (2 of 4 stars). 2 submissions from 2 submitters: Uncertain significance (2). Last evaluated 2022-12-14.

Conditions:
Inborn genetic diseases. Identifiers: MedGen C0950123, MeSH D030342.

Allele frequency attached by ClinVar (database versions not stated): gnomAD exomes 0.00019; 1000 Genomes Project 0.00020; ExAC 0.00021; 1000 Genomes Project 30x 0.00031; ESP Exome Variant Server 0.00046.

Submissions (2):

Ambry Genetics
Classification: Uncertain significance for Inborn genetic diseases. Last evaluated: 2022-12-14. Review status: criteria provided, single submitter. Criteria: Ambry Variant Classification Scheme 2023. Collection method: clinical testing. Allele origin: germline.

Labcorp Genetics (formerly Invitae), Labcorp
Classification: Uncertain significance. Last evaluated: 2022-10-05. Review status: criteria provided, single submitter. Criteria: Invitae Variant Classification Sherloc (09022015). Collection method: clinical testing. Allele origin: germline.
Comment: This sequence change replaces asparagine, which is neutral and polar, with serine, which is neutral and polar, at codon 148 of the MBTPS1 protein (p.Asn148Ser). This variant is present in population databases (rs138518499, gnomAD 0.03%). This variant has not been reported in the literature in individuals affected with MBTPS1-related conditions. Algorithms developed to predict the effect of missense changes on protein structure and function (SIFT, PolyPhen-2, Align-GVGD) all suggest that this variant is likely to be tolerated. In summary, the available evidence is currently insufficient to determine the role of this variant in disease. Therefore, it has been classified as a Variant of Uncertain Significance.